The following is an entry in ClinVar:

NM_000677.4(ADORA3):c.583G>A (p.Ala195Thr)

Genes: ADORA3 (adenosine A3 receptor; minus strand), TMIGD3 (transmembrane and immunoglobulin domain containing 3; minus strand). Cytogenetic location: 1p13.2.
Variant type: single nucleotide variant.
Coding change: c.583G>A on transcript NM_000677.4 (MANE Select); coding-DNA position 583, G replaced by A.
Protein change: p.Ala195Thr; replaces alanine 195 with threonine.
Molecular consequence: missense variant. On other transcripts: 3 prime UTR variant (1), intron variant (3).
Genome position (GRCh38, 1-based): chr1:111,500,324, C>T on the plus strand (G>A on the coding strand, the complement: ADORA3 is on the minus strand). VCF-style: chr1-111500324-C-T. GRCh37 (hg19) VCF-style: chr1-112042946-C-T.
Other names: c.*275G>A (NM_001302678.2); c.148G>A, p.Ala50Thr (NM_001302679.2); c.108-11457G>A (NM_001302680.2); c.108-9562G>A (NM_001081976.3); c.350+2681G>A (NM_020683.7); short protein forms A195T, A50T.
Identifiers: ClinVar variation 3035442 (VCV003035442.2), dbSNP rs143962803, ClinGen allele CA1006054.

ClinVar aggregate classification (germline): Likely benign (0 of 4 stars; one submission).

Conditions:
ADORA3-related disorder. Also called: ADORA3-related condition.

Allele frequency attached by ClinVar (database versions not stated): ExAC 0.00046; 1000 Genomes Project 30x 0.00047; 1000 Genomes Project 0.00060; gnomAD 0.00130; TOPMed 0.00155; ESP Exome Variant Server 0.00192.
gnomAD v4.1: 526 of 1,614,158 alleles (0.033%); highest among the groups gnomAD compares: African/African-American, 0.43%; 1 homozygote.

Submission:

PreventionGenetics, part of Exact Sciences
Classification: Likely benign for ADORA3-related condition. Last evaluated: 2023-05-22. Review status: no assertion criteria provided. Collection method: clinical testing. Allele origin: germline.
Comment: This variant is classified as likely benign based on ACMG/AMP sequence variant interpretation guidelines (Richards et al. 2015 PMID: 25741868, with internal and published modifications).